The following is an entry in ClinVar:

NM_005751.5(AKAP9):c.7129C>G (p.Leu2377Val)

Gene: AKAP9 (A-kinase anchoring protein 9; plus strand). Cytogenetic location: 7q21.2.
Variant type: single nucleotide variant.
Coding change: c.7129C>G on transcript NM_005751.5 (MANE Select); coding-DNA position 7129, C replaced by G.
Protein change: p.Leu2377Val; replaces leucine 2377 with valine.
Molecular consequence: missense variant.
Genome position (GRCh38, 1-based): chr7:92,079,262, C>G. VCF-style: chr7-92079262-C-G. GRCh37 (hg19) VCF-style: chr7-91708576-C-G.
Other names: c.1774C>G, p.Leu592Val (NM_001379277.1); c.7105C>G, p.Leu2369Val (NM_147185.3); short protein forms L592V, L2369V, L2377V.
Identifiers: ClinVar variation 2449734 (VCV002449734.2), dbSNP rs2535244614, ClinGen allele CA368135033.

ClinVar aggregate classification (germline): Uncertain significance (1 of 4 stars; one submission).

Conditions:
Cardiovascular phenotype. Identifiers: MedGen CN230736.

Submission:

Ambry Genetics
Classification: Uncertain significance for Cardiovascular phenotype. Last evaluated: 2022-11-04. Review status: criteria provided, single submitter. Criteria: Ambry Variant Classification Scheme 2023. Collection method: clinical testing. Allele origin: germline.
Comment: The p.L2377V variant (also known as c.7129C>G), located in coding exon 31 of the AKAP9 gene, results from a C to G substitution at nucleotide position 7129. The leucine at codon 2377 is replaced by valine, an amino acid with highly similar properties. This amino acid position is conserved. In addition, this alteration is predicted to be tolerated by in silico analysis. Since supporting evidence is limited at this time, the clinical significance of this alteration remains unclear.